The following is an entry in ClinVar:

NM_001365276.2(TNXB):c.5578G>A (p.Ala1860Thr)

Gene: TNXB (tenascin XB; minus strand). Cytogenetic location: 6p21.33.
Variant type: single nucleotide variant.
Coding change: c.5578G>A on transcript NM_001365276.2 (MANE Select); coding-DNA position 5578, G replaced by A.
Protein change: p.Ala1860Thr; replaces alanine 1860 with threonine.
Molecular consequence: missense variant.
Genome position (GRCh38, 1-based): chr6:32,069,562, C>T on the plus strand (G>A on the coding strand, the complement: TNXB is on the minus strand). VCF-style: chr6-32069562-C-T. GRCh37 (hg19) VCF-style: chr6-32037339-C-T.
Other names: p.Ala1860Thr; c.5578G>A, p.Ala1860Thr (NM_019105.8); short protein forms A1860T.
Identifiers: ClinVar variation 2562159 (VCV002562159.3), dbSNP rs748363005, ClinGen allele CA3734670.
Genomic context (GRCh38, chr6:32,069,562, plus strand): 5'-GGAGAGCCAGGCGGGAAGGAGGCACAGGTGTTCCAGCTGCCGCACACTCACCAGTAATGG[C>T]GACGGCCGAGATGGGGCCCACACGCTTGCCGTGGTGCAGCCCGTAGAGCAGCAGCTTGTA-3'
Protein context (NP_001352205.1, residues 1850-1870): GKRVGPISAV[Ala1860Thr]ITAGREETET

ClinVar aggregate classification (germline): Uncertain significance. Review status: criteria provided, multiple submitters, no conflicts (2 of 4 stars). 2 submissions from 2 submitters: Uncertain significance (2). Last evaluated 2025-07-01.

Conditions:
Cardiovascular phenotype. Identifiers: MedGen CN230736.

Allele frequency attached by ClinVar (database versions not stated): ExAC 0.00003; gnomAD 0.00001; gnomAD exomes 0.00002; TOPMed 0.00003.
gnomAD v4.1: 27 of 1,567,472 alleles (0.0017%); highest among the groups gnomAD compares: South Asian, 0.0047%; no homozygotes.

Submissions (2):

Mayo Clinic Laboratories, Mayo Clinic
Classification: Uncertain significance. Last evaluated: 2025-07-01. Review status: criteria provided, single submitter. Criteria: ACMG Guidelines, 2015. Collection method: clinical testing. Allele origin: germline. Observed: 1 variant allele.
Comment: BP4

Ambry Genetics
Classification: Uncertain significance for Cardiovascular phenotype. Last evaluated: 2023-05-29. Review status: criteria provided, single submitter. Criteria: Ambry Variant Classification Scheme 2023. Collection method: clinical testing. Allele origin: germline.
Comment: The p.A1860T variant (also known as c.5578G>A), located in coding exon 14 of the TNXB gene, results from a G to A substitution at nucleotide position 5578. The alanine at codon 1860 is replaced by threonine, an amino acid with similar properties. This amino acid position is conserved. In addition, this alteration is predicted to be tolerated by in silico analysis. Since supporting evidence is limited at this time, the clinical significance of this alteration remains unclear.